The following is an entry in ClinVar:

NM_005051.3(QARS1):c.1560G>A (p.Thr520=)

Gene: QARS1 (glutaminyl-tRNA synthetase 1; minus strand). Cytogenetic location: 3p21.31.
Variant type: single nucleotide variant.
Coding change: c.1560G>A on transcript NM_005051.3 (MANE Select); coding-DNA position 1560, G replaced by A.
Protein change: p.Thr520=; no amino-acid change (threonine 520 retained).
Molecular consequence: synonymous variant. On other transcripts: non-coding transcript variant (1).
Genome position (GRCh38, 1-based): chr3:49,099,398, C>T on the plus strand (G>A on the coding strand, the complement: QARS1 is on the minus strand). VCF-style: chr3-49099398-C-T. GRCh37 (hg19) VCF-style: chr3-49136831-C-T.
Other names: c.1527G>A, p.Thr509= (NM_001272073.2).
Identifiers: ClinVar variation 1518755 (VCV001518755.5), dbSNP rs1216381228, ClinGen allele CA433630761.

ClinVar aggregate classification (germline): Uncertain significance (1 of 4 stars; one submission).

Conditions:
Diffuse cerebral and cerebellar atrophy - intractable seizures - progressive microcephaly syndrome. Also called: Microcephaly, progressive, with seizures and cerebral and cerebellar atrophy. Identifiers: Orphanet 404437, MedGen C4014239, MONDO:0014335, OMIM 615760.

Allele frequency attached by ClinVar (database versions not stated): gnomAD 0.00001.

Submission:

Labcorp Genetics (formerly Invitae), Labcorp
Classification: Uncertain significance for Diffuse cerebral and cerebellar atrophy - intractable seizures - progressive microcephaly syndrome. Last evaluated: 2022-06-29. Review status: criteria provided, single submitter. Criteria: Invitae Variant Classification Sherloc (09022015). Collection method: clinical testing. Allele origin: germline.
Comment: This sequence change affects codon 520 of the QARS mRNA. It is a 'silent' change, meaning that it does not change the encoded amino acid sequence of the QARS protein. This variant is present in population databases (no rsID available, gnomAD 0.007%). This variant has not been reported in the literature in individuals affected with QARS-related conditions. Algorithms developed to predict the effect of sequence changes on RNA splicing suggest that this variant may create or strengthen a splice site. In summary, the available evidence is currently insufficient to determine the role of this variant in disease. Therefore, it has been classified as a Variant of Uncertain Significance.